The following is an entry in ClinVar:

NM_017654.4(SAMD9):c.193A>G (p.Ile65Val)

Gene: SAMD9 (sterile alpha motif domain containing 9; minus strand). Cytogenetic location: 7q21.2.
Variant type: single nucleotide variant.
Coding change: c.193A>G on transcript NM_017654.4 (MANE Select); coding-DNA position 193, A replaced by G.
Protein change: p.Ile65Val; replaces isoleucine 65 with valine.
Molecular consequence: missense variant.
Genome position (GRCh38, 1-based): chr7:93,105,905, T>C on the plus strand (A>G on the coding strand, the complement: SAMD9 is on the minus strand). VCF-style: chr7-93105905-T-C. GRCh37 (hg19) VCF-style: chr7-92735218-T-C.
Other names: c.193A>G, p.Ile65Val (NM_001193307.2); short protein forms I65V.
Identifiers: ClinVar variation 1521069 (VCV001521069.8), dbSNP rs2116423389, ClinGen allele CA368205774.

ClinVar aggregate classification (germline): Uncertain significance (1 of 4 stars; one submission).

Submission:

Labcorp Genetics (formerly Invitae), Labcorp
Classification: Uncertain significance. Last evaluated: 2022-02-10. Review status: criteria provided, single submitter. Criteria: Invitae Variant Classification Sherloc (09022015). Collection method: clinical testing. Allele origin: germline.
Comment: This sequence change replaces isoleucine, which is neutral and non-polar, with valine, which is neutral and non-polar, at codon 65 of the SAMD9 protein (p.Ile65Val). This variant is not present in population databases (gnomAD no frequency). This variant has not been reported in the literature in individuals affected with SAMD9-related conditions. Algorithms developed to predict the effect of missense changes on protein structure and function (SIFT, PolyPhen-2, Align-GVGD) all suggest that this variant is likely to be tolerated. In summary, the available evidence is currently insufficient to determine the role of this variant in disease. Therefore, it has been classified as a Variant of Uncertain Significance.